The following is an entry in ClinVar:

NM_004385.5(VCAN):c.1144A>T (p.Ile382Phe)

Gene: VCAN (versican; plus strand). Cytogenetic location: 5q14.3.
Variant type: single nucleotide variant.
Coding change: c.1144A>T on transcript NM_004385.5 (MANE Select); coding-DNA position 1144, A replaced by T.
Protein change: p.Ile382Phe; replaces isoleucine 382 with phenylalanine.
Molecular consequence: missense variant. On other transcripts: intron variant (2).
Genome position (GRCh38, 1-based): chr5:83,519,450, A>T. VCF-style: chr5-83519450-A-T. GRCh37 (hg19) VCF-style: chr5-82815269-A-T.
Other names: c.1144A>T, p.Ile382Phe (NM_001164098.2); c.1042+7054A>T (NM_001164097.2, NM_001126336.3); short protein forms I382F.
Identifiers: ClinVar variation 1964208 (VCV001964208.5), dbSNP rs1320621417, ClinGen allele CA360299142.

ClinVar aggregate classification (germline): Uncertain significance (1 of 4 stars; one submission).

gnomAD v4.1: 1 of 1,614,170 alleles (0.000062%); highest among the groups gnomAD compares: Non-Finnish European, 0.000085%; no homozygotes.

Submission:

Labcorp Genetics (formerly Invitae), Labcorp
Classification: Uncertain significance. Last evaluated: 2024-02-23. Review status: criteria provided, single submitter. Criteria: Invitae Variant Classification Sherloc (09022015). Collection method: clinical testing. Allele origin: germline.
Comment: This sequence change replaces isoleucine, which is neutral and non-polar, with phenylalanine, which is neutral and non-polar, at codon 382 of the VCAN protein (p.Ile382Phe). This variant is not present in population databases (gnomAD no frequency). This variant has not been reported in the literature in individuals affected with VCAN-related conditions. ClinVar contains an entry for this variant (Variation ID: 1964208). An algorithm developed to predict the effect of missense changes on protein structure and function (PolyPhen-2) suggests that this variant is likely to be tolerated. In summary, the available evidence is currently insufficient to determine the role of this variant in disease. Therefore, it has been classified as a Variant of Uncertain Significance.